The following is an entry in ClinVar:

NM_001001548.3(CD36):c.1062_1098dup (p.His367delinsArgThrTyrTer)

Gene: CD36 (CD36 molecule (CD36 blood group); plus strand). Cytogenetic location: 7q21.11.
Variant type: Duplication.
Coding change: c.1062_1098dup on transcript NM_001001548.3 (MANE Select); coding-DNA positions 1062 to 1098, 37 bases duplicated.
Protein change: p.His367delinsArgThrTyrTer.
Molecular consequence: nonsense. On other transcripts: non-coding transcript variant (1).
Genome position (GRCh38, 1-based): chr7:80,671,977-80,672,013, 37 bases duplicated. GRCh37 (hg19): chr7:80,301,293-80,301,329.
Other names: c.1062_1098dup37 (NM_001001547.3); c.1062_1098dup, p.His367delinsArgThrTyrTer (NM_000072.3, NM_001001547.3, NM_001127443.2 and 5 more transcripts); c.945_981dup, p.His328delinsArgThrTyrTer (NM_001289908.1); c.882_918dup, p.His307delinsArgThrTyrTer (NM_001289909.1); c.834_870dup, p.His291delinsArgThrTyrTer (NM_001289911.2); c.960_996dup, p.His333delinsArgThrTyrTer (NM_001371079.1); c.597_633dup, p.His212delinsArgThrTyrTer (NM_001371080.1, NM_001371081.1).
Identifiers: ClinVar variation 3374841 (VCV003374841.1).
Genomic context (GRCh38, chr7:80,671,976, plus strand): 5'-CTTCAGGGAGACCTGTGTACATTTCACTTCCTCATTTTCTGTATGCAAGTCCTGATGTTT[C>CAGAACCTATTGATGGATTAAACCCAAATGAAGAAGAA]AGAACCTATTGATGGATTAAACCCAAATGAAGAAGAACATAGGACATACTTGGATATTGA-3'

ClinVar aggregate classification (germline): Pathogenic (1 of 4 stars; one submission).

Conditions:
CD36-related disorder. Also called: CD36-related condition; CD36-related disorders.

Submission:

Women's Health and Genetics/Laboratory Corporation of America, LabCorp
Classification: Pathogenic for CD36-Related Disorders. Last evaluated: 2024-09-13. Review status: criteria provided, single submitter. Criteria: LabCorp Variant Classification Summary - May 2015. Collection method: clinical testing. Allele origin: germline.
Comment: Variant summary: CD36 c.1062_1098dup37 (p.His367ArgfsX4) results in a premature termination codon, predicted to cause absence of the protein due to nonsense mediated decay, which is a commonly known mechanism for disease. The variant allele was found at a frequency of 4e-05 in 250748 control chromosomes in the gnomAD database, including 1 homozygotes. This frequency is not significantly higher than estimated for a pathogenic variant in CD36 causing CD36-Related Disorders, allowing no conclusion about variant significance. To our knowledge, no occurrence of c.1062_1098dup37 in individuals affected with CD36-Related Disorders and no experimental evidence demonstrating its impact on protein function have been reported. No submitters have cited clinical-significance assessments for this variant to ClinVar. Based on the evidence outlined above, the variant was classified as pathogenic.